The following is an entry in ClinVar:

NM_013322.3(SNX10):c.504T>C (p.Asp168=)

Gene: SNX10 (sorting nexin 10; plus strand). Cytogenetic location: 7p15.2.
Variant type: single nucleotide variant.
Coding change: c.504T>C on transcript NM_013322.3 (MANE Select); coding-DNA position 504, T replaced by C.
Protein change: p.Asp168=; no amino-acid change (aspartic acid 168 retained).
Molecular consequence: synonymous variant.
Genome position (GRCh38, 1-based): chr7:26,372,013, T>C. VCF-style: chr7-26372013-T-C. GRCh37 (hg19) VCF-style: chr7-26411633-T-C.
Other names: c.504T>C, p.Asp168= (NM_001199835.1, NM_001318199.3); c.495T>C, p.Asp165= (NM_001199837.3); c.252T>C, p.Asp84= (NM_001199838.2); c.582T>C, p.Asp194= (NM_001318198.1, NM_001362753.1, NM_001362754.1).
Identifiers: ClinVar variation 1534562 (VCV001534562.10), dbSNP rs767276071, ClinGen allele CA4195271.
Genomic context (GRCh38, chr7:26,372,013, plus strand): 5'-GTTTGCCTTAATGAATAGACGTTTCCCTGAAGAAGATGAAGAAGGAAAAAAAGAAAATGA[T>C]ATAGATTATGATTCAGAAAGGTATTTCCTTGCATTTTGATTTAATGTATATGTATTTATA-3'
Protein context (NP_037454.2, residues 158-178): EEDEEGKKEN[Asp168=]IDYDSESSSS

ClinVar aggregate classification (germline): Likely benign. Review status: criteria provided, single submitter (1 of 4 stars). 2 submissions from 2 submitters: Likely benign (1). 1 of the submissions does not count toward it. Last evaluated 2026-01-05.

Conditions:
SNX10-related disorder. Also called: SNX10-related condition.

Allele frequency attached by ClinVar (database versions not stated): gnomAD 0.00002 and 0.00004; TOPMed 0.00004; gnomAD exomes 0.00005 and 0.00008; ExAC 0.00009.
gnomAD v4.1: 79 of 1,605,818 alleles (0.0049%); highest among the groups gnomAD compares: East Asian, 0.069%; no homozygotes.

Submissions (2):

Labcorp Genetics (formerly Invitae), Labcorp
Classification: Likely benign. Last evaluated: 2026-01-05. Review status: criteria provided, single submitter. Criteria: Invitae Variant Classification Sherloc (09022015). Collection method: clinical testing. Allele origin: germline.

PreventionGenetics, part of Exact Sciences
Classification: Likely benign for SNX10-related condition. Last evaluated: 2019-09-10. Review status: no assertion criteria provided. Collection method: clinical testing. Allele origin: germline. Not counted in ClinVar's aggregate classification.
Comment: This variant is classified as likely benign based on ACMG/AMP sequence variant interpretation guidelines (Richards et al. 2015 PMID: 25741868, with internal and published modifications).